The following is an entry in ClinVar:

NM_005869.4(CWC27):c.20A>C (p.Gln7Pro)

Genes: CWC27 (CWC27 spliceosome associated cyclophilin; plus strand), LOC123493324 (MED14-independent group 3 enhancer GRCh37_chr5:64063900-64065099; plus strand). Cytogenetic location: 5q12.3.
Variant type: single nucleotide variant.
Coding change: c.20A>C on transcript NM_005869.4 (MANE Select); coding-DNA position 20, A replaced by C.
Protein change: p.Gln7Pro; replaces glutamine 7 with proline.
Molecular consequence: missense variant.
Genome position (GRCh38, 1-based): chr5:64,769,166, A>C. VCF-style: chr5-64769166-A-C. GRCh37 (hg19) VCF-style: chr5-64064993-A-C.
Other names: c.20A>C, p.Gln7Pro (NM_001297644.1, NM_001297645.2, NM_001318000.2 and 1 more transcripts); c.20A>C (NM_005869.2); short protein forms Q7P.
Identifiers: ClinVar variation 1056737 (VCV001056737.9), dbSNP rs138792608, ClinGen allele CA3281799.

ClinVar aggregate classification (germline): Uncertain significance. Review status: criteria provided, multiple submitters, no conflicts (2 of 4 stars). 3 submissions from 3 submitters: Uncertain significance (3). Last evaluated 2025-08-03.

Conditions:
Inborn genetic diseases. Identifiers: MedGen C0950123, MeSH D030342.

Allele frequency attached by ClinVar (database versions not stated): gnomAD exomes 0.00002; ExAC 0.00003; gnomAD 0.00013 and 0.00014; TOPMed 0.00014; ESP Exome Variant Server 0.00031.
gnomAD v4.1: 34 of 1,614,028 alleles (0.0021%); highest among the groups gnomAD compares: African/African-American, 0.043%; no homozygotes.

Submissions (3):

Ambry Genetics
Classification: Uncertain significance for Inborn genetic diseases. Last evaluated: 2025-08-03. Review status: criteria provided, single submitter. Criteria: Ambry Variant Classification Scheme 2023. Collection method: clinical testing. Allele origin: germline.

Labcorp Genetics (formerly Invitae), Labcorp
Classification: Uncertain significance. Last evaluated: 2023-07-17. Review status: criteria provided, single submitter. Criteria: Invitae Variant Classification Sherloc (09022015). Collection method: clinical testing. Allele origin: germline.
Comment: This sequence change replaces glutamine, which is neutral and polar, with proline, which is neutral and non-polar, at codon 7 of the CWC27 protein (p.Gln7Pro). This variant is present in population databases (rs138792608, gnomAD 0.02%). This variant has not been reported in the literature in individuals affected with CWC27-related conditions. ClinVar contains an entry for this variant (Variation ID: 1056737). An algorithm developed to predict the effect of missense changes on protein structure and function (PolyPhen-2) suggests that this variant is likely to be disruptive. In summary, the available evidence is currently insufficient to determine the role of this variant in disease. Therefore, it has been classified as a Variant of Uncertain Significance.

Blueprint Genetics
Classification: Uncertain significance. Last evaluated: 2021-12-10. Review status: criteria provided, single submitter. Criteria: ACMG Guidelines, 2015. Collection method: clinical testing. Allele origin: germline.